The following is an entry in ClinVar:

NM_015559.3(SETBP1):c.1459del (p.Glu487fs)

Gene: SETBP1 (SET binding protein 1; plus strand). Cytogenetic location: 18q12.3.
Variant type: Deletion.
Coding change: c.1459del on transcript NM_015559.3 (MANE Select); coding-DNA position 1459, one base deleted (G; older notation c.1459delG).
Protein change: p.Glu487fs; shifts the reading frame from glutamic acid 487.
Molecular consequence: frameshift variant.
Genome position (GRCh38, 1-based): chr18:44,950,799, G deleted. VCF-style (leftmost placement, unchanged base first): chr18-44950798-TG-T. GRCh37 (hg19) VCF-style: chr18-42530763-TG-T.
Other names: c.1459del, p.Glu487fs (NM_001379141.1, NM_001379142.1, NM_001410862.1); short protein forms E487fs.
Identifiers: ClinVar variation 2697692 (VCV002697692.3), dbSNP rs2511467736, ClinGen allele CA2697555489.

ClinVar aggregate classification (germline): Pathogenic (1 of 4 stars; one submission).

Submission:

Labcorp Genetics (formerly Invitae), Labcorp
Classification: Pathogenic. Last evaluated: 2023-11-20. Review status: criteria provided, single submitter. Criteria: Invitae Variant Classification Sherloc (09022015). Collection method: clinical testing. Allele origin: germline.
Comment: This sequence change creates a premature translational stop signal (p.Glu487Argfs*18) in the SETBP1 gene. It is expected to result in an absent or disrupted protein product. Loss-of-function variants in SETBP1 are known to be pathogenic (PMID: 21037274, 25217958). This variant is not present in population databases (gnomAD no frequency). This variant has not been reported in the literature in individuals affected with SETBP1-related conditions. For these reasons, this variant has been classified as Pathogenic.

Literature cited by the submitters: PubMed 21037274; PubMed 25217958.